The following is an entry in ClinVar:

ClinVar aggregate classification (germline): Benign/Likely benign. Review status: criteria provided, multiple submitters, no conflicts (2 of 4 stars). 4 submissions from 4 submitters: Benign (1); Likely benign (3). Last evaluated 2025-12-03.

Conditions:
Renal cell carcinoma. Identifiers: Orphanet 217071, MedGen C0007134, MeSH D002292, MONDO:0005086, HP:0005584.
Hereditary cancer-predisposing syndrome. Also called: Hereditary neoplastic syndrome; Neoplastic Syndromes, Hereditary; Tumor predisposition; Hereditary Cancer Syndrome. Identifiers: Orphanet 140162, MedGen C0027672, MeSH D009386, MONDO:0015356.
Papillary renal cell carcinoma type 1 (RCCP1). Also called: RENAL CELL CARCINOMA, PAPILLARY, 1, SOMATIC; Renal adenocarcinoma; Renal cell carcinoma 1; Renal cell carcinoma, somatic. Identifiers: Orphanet 47044, MedGen C1336839, OMIM 605074, HP:0011797.

Allele frequency attached by ClinVar (database versions not stated): TOPMed 0.00002.
gnomAD v4.1: 71 of 1,613,934 alleles (0.0044%); highest among the groups gnomAD compares: Non-Finnish European, 0.0058%; no homozygotes.

Submissions (4):

Labcorp Genetics (formerly Invitae), Labcorp
Classification: Likely benign for Renal cell carcinoma. Last evaluated: 2025-12-03. Review status: criteria provided, single submitter. Criteria: Invitae Variant Classification Sherloc (09022015). Collection method: clinical testing. Allele origin: germline.

Myriad Genetics, Inc.
Classification: Benign for Papillary renal cell carcinoma type 1. Last evaluated: 2024-11-07. Review status: criteria provided, single submitter. Criteria: Myriad Autosomal Dominant, Autosomal Recessive and X-Linked Classification Criteria (2023). Collection method: clinical testing. Allele origin: unknown.
Comment: This variant is considered benign. This variant is a silent/synonymous amino acid change and it is not expected to impact splicing.

GeneDx
Classification: Likely benign. Last evaluated: 2018-10-03. Review status: criteria provided, single submitter. Criteria: GeneDx Variant Classification Process June 2021. Collection method: clinical testing. Allele origin: germline. Affected: yes.

Ambry Genetics
Classification: Likely benign for Hereditary cancer-predisposing syndrome. Last evaluated: 2016-05-13. Review status: criteria provided, single submitter. Criteria: Ambry Variant Classification Scheme 2023. Collection method: clinical testing. Allele origin: germline.

NM_000245.4(MET):c.1263C>A (p.Thr421=)

Gene: MET (MET proto-oncogene, receptor tyrosine kinase; plus strand). Cytogenetic location: 7q31.2.
Variant type: single nucleotide variant.
Coding change: c.1263C>A on transcript NM_000245.4 (MANE Select); coding-DNA position 1263, C replaced by A.
Protein change: p.Thr421=; no amino-acid change (threonine 421 retained).
Molecular consequence: synonymous variant. On other transcripts: 5 prime UTR variant (1).
Genome position (GRCh38, 1-based): chr7:116,731,730, C>A. VCF-style: chr7-116731730-C-A. GRCh37 (hg19) VCF-style: chr7-116371784-C-A.
Other names: c.1263C>A, p.Thr421= (NM_001127500.3, NM_001324401.3); c.-28C>A (NM_001324402.2).
Identifiers: ClinVar variation 246621 (VCV000246621.20), dbSNP rs45499391, ClinGen allele CA10584661.